The following is an entry in ClinVar:

ClinVar aggregate classification (germline): Likely pathogenic (1 of 4 stars; one submission).

Submission:

Labcorp Genetics (formerly Invitae), Labcorp
Classification: Likely pathogenic. Last evaluated: 2025-10-21. Review status: criteria provided, single submitter. Criteria: Invitae Variant Classification Sherloc (09022015). Collection method: clinical testing. Allele origin: germline.
Comment: This sequence change affects an acceptor splice site in intron 2 of the KISS1R gene. It is expected to disrupt RNA splicing. Variants that disrupt the donor or acceptor splice site typically lead to a loss of protein function (PMID: 16199547), and loss-of-function variants in KISS1R are known to be pathogenic (PMID: 20371656, 22619348). This variant is not present in population databases (gnomAD no frequency). This variant has not been reported in the literature in individuals affected with KISS1R-related conditions. Algorithms developed to predict the effect of sequence changes on RNA splicing suggest that this variant may disrupt the consensus splice site. In summary, the currently available evidence indicates that the variant is pathogenic, but additional data are needed to prove that conclusively. Therefore, this variant has been classified as Likely Pathogenic.

Literature cited by the submitters: PubMed 16199547; PubMed 20371656; PubMed 22619348.

NM_032551.5(KISS1R):c.370-2A>T

Gene: KISS1R (KISS1 receptor; plus strand). Cytogenetic location: 19p13.3.
Variant type: single nucleotide variant.
Coding change: c.370-2A>T on transcript NM_032551.5 (MANE Select); the canonical splice acceptor site of the intron before coding-DNA position 370, A replaced by T.
Molecular consequence: splice acceptor variant.
Genome position (GRCh38, 1-based): chr19:919,488, A>T. VCF-style: chr19-919488-A-T. GRCh37 (hg19) VCF-style: chr19-919488-A-T.
Identifiers: ClinVar variation 4778106 (VCV004778106.1).